The following is an entry in ClinVar:

NM_016507.4(CDK12):c.4418G>A (p.Arg1473Gln)

Gene: CDK12 (cyclin dependent kinase 12; plus strand). Cytogenetic location: 17q12.
Variant type: single nucleotide variant.
Coding change: c.4418G>A on transcript NM_016507.4 (MANE Select); coding-DNA position 4418, G replaced by A.
Protein change: p.Arg1473Gln; replaces arginine 1473 with glutamine.
Molecular consequence: missense variant.
Genome position (GRCh38, 1-based): chr17:39,531,261, G>A. VCF-style: chr17-39531261-G-A. GRCh37 (hg19) VCF-style: chr17-37687514-G-A.
Other names: c.4391G>A, p.Arg1464Gln (NM_015083.4); short protein forms R1464Q, R1473Q.
Identifiers: ClinVar variation 2598610 (VCV002598610.3), dbSNP rs562860050, ClinGen allele CA8531711.

ClinVar aggregate classification (germline): Uncertain significance (1 of 4 stars; one submission).

Allele frequency attached by ClinVar (database versions not stated): TOPMed 0.00002; gnomAD 0.00004; gnomAD exomes 0.00004; ExAC 0.00005; 1000 Genomes Project 0.00020; 1000 Genomes Project 30x 0.00031.
gnomAD v4.1: 64 of 1,510,454 alleles (0.0042%); highest among the groups gnomAD compares: South Asian, 0.0096%; no homozygotes.

Submission:

Ambry Genetics
Classification: Uncertain significance. Last evaluated: 2024-11-22. Review status: criteria provided, single submitter. Criteria: Ambry Variant Classification Scheme 2023. Collection method: clinical testing. Allele origin: germline.
Comment: The p.R1473Q variant (also known as c.4418G>A), located in coding exon 14 of the CDK12 gene, results from a G to A substitution at nucleotide position 4418. The arginine at codon 1473 is replaced by glutamine, an amino acid with highly similar properties. This amino acid position is conserved. In addition, this alteration is predicted to be deleterious by in silico analysis. Based on the available evidence, the clinical significance of this variant remains unclear.